The following is an entry in ClinVar:

ClinVar aggregate classification (germline): Pathogenic (1 of 4 stars; one submission).

Conditions:
Familial thoracic aortic aneurysm and aortic dissection (TAAD). Also called: Thoracic aortic aneurysms and dissections. Identifiers: Orphanet 91387, MedGen C4707243, MONDO:0019625.
Marfan syndrome (MFS). Also called: MARFAN SYNDROME, TYPE I; Marfan syndrome type 1; Marfan's syndrome; Marfan syndrome, classic; FBN1-Related Marfan Syndrome. Identifiers: Orphanet 284963, Orphanet 558, MedGen C0024796, MONDO:0007947, OMIM 154700.

Submission:

Labcorp Genetics (formerly Invitae), Labcorp
Classification: Pathogenic for Marfan syndrome; Familial thoracic aortic aneurysm and aortic dissection. Last evaluated: 2025-09-14. Review status: criteria provided, single submitter. Criteria: Invitae Variant Classification Sherloc (09022015). Collection method: clinical testing. Allele origin: germline.
Comment: This sequence change creates a premature translational stop signal (p.Tyr962*) in the FBN1 gene. It is expected to result in an absent or disrupted protein product. Loss-of-function variants in FBN1 are known to be pathogenic (PMID: 17657824, 19293843). This variant is not present in population databases (gnomAD no frequency). This premature translational stop signal has been observed in individual(s) with clinical features of Marfan syndrome (PMID: 27906200). ClinVar contains an entry for this variant (Variation ID: 2137698). For these reasons, this variant has been classified as Pathogenic.

Literature cited by the submitters: PubMed 17657824; PubMed 19293843; PubMed 27906200.

NM_000138.5(FBN1):c.2886C>G (p.Tyr962Ter)

Gene: FBN1 (fibrillin 1; minus strand). Cytogenetic location: 15q21.1.
Variant type: single nucleotide variant.
Coding change: c.2886C>G on transcript NM_000138.5 (MANE Select); coding-DNA position 2886, C replaced by G.
Protein change: p.Tyr962Ter; replaces tyrosine 962 with a stop codon.
Molecular consequence: nonsense.
Genome position (GRCh38, 1-based): chr15:48,490,047, G>C on the plus strand (C>G on the coding strand, the complement: FBN1 is on the minus strand). VCF-style: chr15-48490047-G-C. GRCh37 (hg19) VCF-style: chr15-48782244-G-C.
Other names: c.2886C>G, p.Tyr962Ter (NM_001406716.1); short protein forms Y962*.
Identifiers: ClinVar variation 2137698 (VCV002137698.4), dbSNP rs772108557, ClinGen allele CA392330038.